The following is an entry in ClinVar:

ClinVar aggregate classification (germline): Benign/Likely benign. Review status: criteria provided, multiple submitters, no conflicts (2 of 4 stars). 3 submissions from 3 submitters: Benign (1); Likely benign (2). Last evaluated 2026-01-28.

Conditions:
Dilated cardiomyopathy 1G (CMD1G). Identifiers: Orphanet 154, MedGen C1858763, MONDO:0011400, OMIM 604145.
Autosomal recessive limb-girdle muscular dystrophy type 2J (LGMDR10). Also called: MUSCULAR DYSTROPHY, LIMB-GIRDLE, AUTOSOMAL RECESSIVE 10; Limb-girdle muscular dystrophy, type 2J. Identifiers: Orphanet 140922, MedGen C1837342, MONDO:0012127, OMIM 608807.

Allele frequency attached by ClinVar (database versions not stated): gnomAD exomes 0.00001; gnomAD 0.00005 and 0.00003; ExAC 0.00002; TOPMed below 0.00001.
gnomAD v4.1: 30 of 1,609,680 alleles (0.0019%); highest among the groups gnomAD compares: East Asian, 0.011%; no homozygotes.

Submissions (3):

Labcorp Genetics (formerly Invitae), Labcorp
Classification: Likely benign for Dilated cardiomyopathy 1G; Autosomal recessive limb-girdle muscular dystrophy type 2J. Last evaluated: 2026-01-28. Review status: criteria provided, single submitter. Criteria: Invitae Variant Classification Sherloc (09022015). Collection method: clinical testing. Allele origin: germline.

Blueprint Genetics
Classification: Likely benign. Last evaluated: 2024-10-14. Review status: criteria provided, single submitter. Criteria: ACMG Guidelines, 2015. Collection method: clinical testing. Allele origin: germline.

GeneDx
Classification: Benign. Last evaluated: 2014-12-19. Review status: criteria provided, single submitter. Criteria: GeneDx Variant Classification (06012015). Collection method: clinical testing. Allele origin: germline. Affected: yes.
Comment: This variant is considered likely benign or benign based on one or more of the following criteria: it is a conservative change, it occurs at a poorly conserved position in the protein, it is predicted to be benign by multiple in silico algorithms, and/or has population frequency not consistent with disease.

NM_001267550.2(TTN):c.46967-19C>G

Genes: TTN-AS1 (TTN antisense RNA 1; plus strand), TTN (titin; minus strand). Cytogenetic location: 2q31.2.
Variant type: single nucleotide variant.
Coding change: c.46967-19C>G on transcript NM_001267550.2 (MANE Select); 19 bases into the intron before coding-DNA position 46967, C replaced by G.
Molecular consequence: intron variant.
Genome position (GRCh38, 1-based): chr2:178,618,510, G>C on the plus strand (C>G on the coding strand, the complement: TTN is on the minus strand). VCF-style: chr2-178618510-G-C. GRCh37 (hg19) VCF-style: chr2-179483237-G-C.
Other names: c.19772-19C>G (NM_003319.4); c.20348-19C>G (NM_133437.4); c.20147-19C>G (NM_133432.3); c.39263-19C>G (NM_133378.4); c.42044-19C>G (NM_001256850.1).
Identifiers: ClinVar variation 202268 (VCV000202268.11), dbSNP rs755875136, ClinGen allele CA308938.